The following is an entry in ClinVar:

NM_001447.3(FAT2):c.4794C>G (p.Asn1598Lys)

Genes: FAT2 (FAT atypical cadherin 2; minus strand), SLC36A1 (solute carrier family 36 member 1; plus strand). Cytogenetic location: 5q33.1.
Variant type: single nucleotide variant.
Coding change: c.4794C>G on transcript NM_001447.3 (MANE Select); coding-DNA position 4794, C replaced by G.
Protein change: p.Asn1598Lys; replaces asparagine 1598 with lysine.
Molecular consequence: missense variant.
Genome position (GRCh38, 1-based): chr5:151,546,333, G>C on the plus strand (C>G on the coding strand, the complement: FAT2 is on the minus strand). VCF-style: chr5-151546333-G-C. GRCh37 (hg19) VCF-style: chr5-150925894-G-C.
Other names: short protein forms N1598K.
Identifiers: ClinVar variation 2838003 (VCV002838003.3), dbSNP rs1262864828, ClinGen allele CA361844569.

ClinVar aggregate classification (germline): Uncertain significance (1 of 4 stars; one submission).

Submission:

Labcorp Genetics (formerly Invitae), Labcorp
Classification: Uncertain significance. Last evaluated: 2023-04-28. Review status: criteria provided, single submitter. Criteria: Invitae Variant Classification Sherloc (09022015). Collection method: clinical testing. Allele origin: germline.
Comment: This sequence change replaces asparagine, which is neutral and polar, with lysine, which is basic and polar, at codon 1598 of the FAT2 protein (p.Asn1598Lys). In summary, the available evidence is currently insufficient to determine the role of this variant in disease. Therefore, it has been classified as a Variant of Uncertain Significance. Advanced modeling of protein sequence and biophysical properties (such as structural, functional, and spatial information, amino acid conservation, physicochemical variation, residue mobility, and thermodynamic stability) performed at Invitae indicates that this missense variant is not expected to disrupt FAT2 protein function. This variant has not been reported in the literature in individuals affected with FAT2-related conditions. This variant is not present in population databases (gnomAD no frequency).